The following is an entry in ClinVar:

ClinVar aggregate classification (germline): Likely pathogenic (1 of 4 stars; one submission).

Conditions:
Vici syndrome (VICIS). Identifiers: Orphanet 1493, MedGen C1855772, MONDO:0009452, OMIM 242840.

Submission:

Labcorp Genetics (formerly Invitae), Labcorp
Classification: Likely pathogenic for Vici syndrome. Last evaluated: 2023-10-08. Review status: criteria provided, single submitter. Criteria: Invitae Variant Classification Sherloc (09022015). Collection method: clinical testing. Allele origin: germline.
Comment: This sequence change affects an acceptor splice site in intron 34 of the EPG5 gene. It is expected to disrupt RNA splicing. Variants that disrupt the donor or acceptor splice site typically lead to a loss of protein function (PMID: 16199547), and loss-of-function variants in EPG5 are known to be pathogenic (PMID: 23222957, 23674064). This variant is not present in population databases (gnomAD no frequency). This variant has not been reported in the literature in individuals affected with EPG5-related conditions. Algorithms developed to predict the effect of sequence changes on RNA splicing suggest that this variant may disrupt the consensus splice site. In summary, the currently available evidence indicates that the variant is pathogenic, but additional data are needed to prove that conclusively. Therefore, this variant has been classified as Likely Pathogenic.

Literature cited by the submitters: PubMed 16199547; PubMed 23222957; PubMed 23674064.

NM_020964.3(EPG5):c.5943-2A>G

Gene: EPG5 (ectopic P-granules 5 autophagy tethering factor; minus strand). Cytogenetic location: 18q12.3.
Variant type: single nucleotide variant.
Coding change: c.5943-2A>G on transcript NM_020964.3 (MANE Select); the canonical splice acceptor site of the intron before coding-DNA position 5943, A replaced by G.
Molecular consequence: splice acceptor variant. On other transcripts: intron variant (1).
Genome position (GRCh38, 1-based): chr18:45,876,344, T>C on the plus strand (A>G on the coding strand, the complement: EPG5 is on the minus strand). VCF-style: chr18-45876344-T-C. GRCh37 (hg19) VCF-style: chr18-43456309-T-C.
Other names: c.5943-2A>G (NM_001410858.1); c.5943-5A>G (NM_001410859.1).
Identifiers: ClinVar variation 2766859 (VCV002766859.3), dbSNP rs2511548203, ClinGen allele CA402341638.